The following is an entry in ClinVar:

NM_182961.4(SYNE1):c.8636del (p.Lys2879fs)

Genes: SYNE1 (spectrin repeat containing nuclear envelope protein 1; minus strand), LOC126859838 (CDK7 strongly-dependent group 2 enhancer GRCh37_chr6:152706655-152707854; plus strand). Cytogenetic location: 6q25.2.
Variant type: Deletion.
Coding change: c.8636del on transcript NM_182961.4 (MANE Select); coding-DNA position 8636, one base deleted (A; older notation c.8636delA).
Protein change: p.Lys2879fs; shifts the reading frame from lysine 2879.
Molecular consequence: frameshift variant.
Genome position (GRCh38, 1-based): chr6:152,385,690, T deleted on the plus strand (A on the coding strand, the reverse complement: SYNE1 is on the minus strand); the first of 5 consecutive T bases (chr6:152,385,690-152,385,694); deleting any one gives the same sequence. VCF-style (leftmost placement, unchanged base first): chr6-152385689-CT-C. GRCh37 (hg19) VCF-style: chr6-152706824-CT-C.
Other names: c.8657del, p.Lys2886fs (NM_033071.5); short protein forms K2886fs, K2879fs.
Identifiers: ClinVar variation 950432 (VCV000950432.8), dbSNP rs2097516516, ClinGen allele CA1139659888.
Genomic context (GRCh38, chr6:152,385,689, plus strand): 5'-GAAGGAATGAAGCAATGTAGATATAGCATCTGTTCATTTCCTGACCTTAATTTTTGATAA[CT>C]TTTTCTGGGTGGCTGATGAATCTCCAGACATATCTGACCACCGGTGAAGTTCTTCCTTTG-3'

ClinVar aggregate classification (germline): Pathogenic (1 of 4 stars; one submission).

Conditions:
Autosomal recessive ataxia, Beauce type. Also called: Spinocerebellar ataxia, autosomal recessive 8; ATAXIA, RECESSIVE, OF BEAUCE; SYNE1-Related Autosomal Recessive Cerebellar Ataxia; SYNE1 Deficiency. Identifiers: Orphanet 88644, MedGen C1853116, MONDO:0012549, OMIM 610743.
Emery-Dreifuss muscular dystrophy 4, autosomal dominant (EDMD4). Also called: EMERY-DREIFUSS MUSCULAR DYSTROPHY 4 WITH VARIABLE FEATURES. Identifiers: Orphanet 261, MedGen C2751807, MONDO:0013071, OMIM 612998.

Submission:

Labcorp Genetics (formerly Invitae), Labcorp
Classification: Pathogenic for Emery-Dreifuss muscular dystrophy 4, autosomal dominant; Autosomal recessive ataxia, Beauce type. Last evaluated: 2019-06-24. Review status: criteria provided, single submitter. Criteria: Invitae Variant Classification Sherloc (09022015). Collection method: clinical testing. Allele origin: germline.
Comment: For these reasons, this variant has been classified as Pathogenic. Loss-of-function variants in SYNE1 are known to be pathogenic (PMID: 27086870). This variant has not been reported in the literature in individuals with SYNE1-related conditions. This variant is not present in population databases (ExAC no frequency). This sequence change creates a premature translational stop signal (p.Lys2886Serfs*8) in the SYNE1 gene. It is expected to result in an absent or disrupted protein product.

Literature cited by the submitters: PubMed 27086870.